The following is an entry in ClinVar:

ClinVar aggregate classification (germline): Conflicting classifications of pathogenicity. Review status: criteria provided, conflicting classifications (1 of 4 stars). 3 submissions from 3 submitters: Uncertain significance (1); Likely benign (2). Last evaluated 2025-10-01.

Conditions:
Cornelia de Lange syndrome 1 (CDLS1). Also called: TYPUS DEGENERATIVUS AMSTELODAMENSIS; Brachmann de Lange syndrome; NIPBL-Related Cornelia de Lange Syndrome. Identifiers: Orphanet 199, MedGen C4551851, MONDO:0007387, OMIM 122470.

Allele frequency attached by ClinVar (database versions not stated): ExAC 0.00001; gnomAD 0.00001; gnomAD exomes 0.00001; TOPMed 0.00001.
gnomAD v4.1: 11 of 1,613,680 alleles (0.00068%); highest among the groups gnomAD compares: African/African-American, 0.0013%; no homozygotes.

Submissions (3):

CeGaT Center for Human Genetics Tuebingen
Classification: Likely benign. Last evaluated: 2025-10-01. Review status: criteria provided, single submitter. Criteria: CeGaT Center For Human Genetics Tuebingen Variant Classification Criteria Version 2. Collection method: clinical testing. Allele origin: germline. Affected: yes. Observed: 1 variant allele.
Comment: NIPBL: BP4, BP7

Labcorp Genetics (formerly Invitae), Labcorp
Classification: Likely benign for Cornelia de Lange syndrome 1. Last evaluated: 2025-03-30. Review status: criteria provided, single submitter. Criteria: Invitae Variant Classification Sherloc (09022015). Collection method: clinical testing. Allele origin: germline.

Illumina Laboratory Services, Illumina
Classification: Uncertain significance for Cornelia de Lange syndrome 1. Last evaluated: 2018-01-13. Review status: criteria provided, single submitter. Criteria: ICSL Variant Classification Criteria 13 December 2019. Collection method: clinical testing. Allele origin: germline.

NM_133433.4(NIPBL):c.1593G>A (p.Thr531=)

Gene: NIPBL (NIPBL cohesin loading factor; plus strand). Cytogenetic location: 5p13.2.
Variant type: single nucleotide variant.
Coding change: c.1593G>A on transcript NM_133433.4 (MANE Select); coding-DNA position 1593, G replaced by A.
Protein change: p.Thr531=; no amino-acid change (threonine 531 retained).
Molecular consequence: synonymous variant.
Genome position (GRCh38, 1-based): chr5:36,984,773, G>A. VCF-style: chr5-36984773-G-A. GRCh37 (hg19) VCF-style: chr5-36984875-G-A.
Other names: c.1593G>A, p.Thr531= (NM_015384.5).
Identifiers: ClinVar variation 904961 (VCV000904961.11), dbSNP rs760769176, ClinGen allele CA3236058.